The following is an entry in ClinVar:

NM_024407.5(NDUFS7):c.270C>G (p.Ala90=)

Gene: NDUFS7 (NADH:ubiquinone oxidoreductase core subunit S7; plus strand). Cytogenetic location: 19p13.3.
Variant type: single nucleotide variant.
Coding change: c.270C>G on transcript NM_024407.5 (MANE Select); coding-DNA position 270, C replaced by G.
Protein change: p.Ala90=; no amino-acid change (alanine 90 retained).
Molecular consequence: synonymous variant.
Genome position (GRCh38, 1-based): chr19:1,390,912, C>G. VCF-style: chr19-1390912-C-G. GRCh37 (hg19) VCF-style: chr19-1390911-C-G.
Other names: c.270C>G, p.Ala90= (NM_001363602.2).
Identifiers: ClinVar variation 5038821 (VCV005038821.1).

ClinVar aggregate classification (germline): Likely benign (1 of 4 stars; one submission).

Submission:

CeGaT Center for Human Genetics Tuebingen
Classification: Likely benign. Last evaluated: 2026-08-01. Review status: criteria provided, single submitter. Criteria: CeGaT Center For Human Genetics Tuebingen Variant Classification Criteria Version 2. Collection method: clinical testing. Allele origin: germline. Affected: yes. Observed: 1 variant allele.
Comment: NDUFS7: BP4, BP7